The following is an entry in ClinVar:

NM_032638.5(GATA2):c.1114G>A (p.Ala372Thr)

Gene: GATA2 (GATA binding protein 2; minus strand). Cytogenetic location: 3q21.3.
Variant type: single nucleotide variant.
Coding change: c.1114G>A on transcript NM_032638.5 (MANE Select); coding-DNA position 1114, G replaced by A.
Protein change: p.Ala372Thr; replaces alanine 372 with threonine.
Molecular consequence: missense variant.
Genome position (GRCh38, 1-based): chr3:128,481,848, C>T on the plus strand (G>A on the coding strand, the complement: GATA2 is on the minus strand). VCF-style: chr3-128481848-C-T. GRCh37 (hg19) VCF-style: chr3-128200691-C-T.
Other names: c.1114G>A, p.Ala372Thr (NM_001145661.2); c.1072G>A, p.Ala358Thr (NM_001145662.1); short protein forms A358T, A372T.
Identifiers: ClinVar variation 846616 (VCV000846616.12), dbSNP rs936826425, ClinGen allele CA354413511.

ClinVar aggregate classification (germline): Likely pathogenic. Review status: criteria provided, multiple submitters, no conflicts (2 of 4 stars). 4 submissions from 4 submitters: Likely pathogenic (4). Last evaluated 2026-01-19.

Conditions:
Deafness-lymphedema-leukemia syndrome. Also called: Lymphedema, primary, with myelodysplasia; Emberger syndrome. Identifiers: Orphanet 3226, MedGen C3279664, MONDO:0013540, OMIM 614038.
Acute myeloid leukemia (AML). Also called: Acute myeloid leukemia, adult; AML adult; Acute non-lymphocytic leukemia; Acute granulocytic leukemia; Leukemia, acute myeloid, somatic; Leukemia, acute myelogenous, somatic. Identifiers: Orphanet 519, MedGen C0023467, MeSH D015470, MONDO:0018874, OMIM 601626, HP:0004808. Disease mechanism: Constitutively activated FLT3.
Monocytopenia with susceptibility to infections. Also called: MONOCYTOPENIA AND MYCOBACTERIAL INFECTION SYNDROME; MONOCYTOPENIA WITH SUSCEPTIBILITY TO MYCOBACTERIAL, FUNGAL, AND PAPILLOMAVIRUS INFECTIONS AND MYELODYSPLASIA; COMBINED IMMUNODEFICIENCY WITH SUSCEPTIBILITY TO MYCOBACTERIAL, VIRAL, AND FUNGAL INFECTIONS; Dendritic cell, monocyte, B lymphocyte, and natural killer lymphocyte deficiency; IMMUNODEFICIENCY 21; GATA2 DEFICIENCY. Identifiers: Orphanet 228423, MedGen C3280030, MONDO:0013607, OMIM 614172.
Myelodysplastic syndrome (MDS). Also called: MYELODYSPLASTIC SYNDROME, SUSCEPTIBILITY TO; Myelodysplastic syndrome, somatic; Myelodysplastic syndromes. Identifiers: Orphanet 52688, MedGen C3463824, MeSH D009190, MONDO:0018881, OMIM 614286.
GATA2 deficiency with susceptibility to MDS/AML. Identifiers: MedGen CN300066, MONDO:0042982.

gnomAD v4.1: 1 of 1,614,116 alleles (0.000062%); no homozygotes.

Submissions (4):

Labcorp Genetics (formerly Invitae), Labcorp
Classification: Likely pathogenic for Monocytopenia with susceptibility to infections; Deafness-lymphedema-leukemia syndrome. Last evaluated: 2026-01-19. Review status: criteria provided, single submitter. Criteria: Invitae Variant Classification Sherloc (09022015). Collection method: clinical testing. Allele origin: germline.
Comment: This sequence change replaces alanine, which is neutral and non-polar, with threonine, which is neutral and polar, at codon 372 of the GATA2 protein (p.Ala372Thr). This variant is not present in population databases (gnomAD no frequency). This missense change has been observed in individuals with clinical features of GATA2-related conditions (PMID: 23223431, 24345756, 25359990, 26710799, 29724903, 31309983, 34051752, 38730328). This variant is also known as c.1072G>A (p.A358T). ClinVar contains an entry for this variant (Variation ID: 846616). Invitae Evidence Modeling of protein sequence and biophysical properties (such as structural, functional, and spatial information, amino acid conservation, physicochemical variation, residue mobility, and thermodynamic stability) has been performed for this missense variant. However, the output from this modeling did not meet the statistical confidence thresholds required to predict the impact of this variant on GATA2 protein function. In summary, the currently available evidence indicates that the variant is pathogenic, but additional data are needed to prove that conclusively. Therefore, this variant has been classified as Likely Pathogenic.

Fulgent Genetics
Classification: Likely pathogenic for Acute myeloid leukemia; Deafness-lymphedema-leukemia syndrome; Monocytopenia with susceptibility to infections; Myelodysplastic syndrome. Last evaluated: 2024-01-17. Review status: criteria provided, single submitter. Criteria: ACMG Guidelines, 2015. Collection method: clinical testing. Allele origin: germline.

GeneDx
Classification: Likely pathogenic. Last evaluated: 2024-01-04. Review status: criteria provided, single submitter. Criteria: GeneDx Variant Classification Process June 2021. Collection method: clinical testing. Allele origin: germline. Affected: yes.
Comment: Not observed at significant frequency in large population cohorts (gnomAD); In silico analysis supports that this missense variant has a deleterious effect on protein structure/function; This variant is associated with the following publications: (PMID: 1714909, 28179282, 30578959, 24345756, 23223431, 29724903, 34893945, 26710799, 32554555, 25359990, 34051752, 34529785, 31309983)

Molecular Pathology Research Laboratory, SA Pathology
Classification: Likely pathogenic for GATA2 deficiency with susceptibility to MDS/AML; Deafness-lymphedema-leukemia syndrome. Last evaluated: 2021-07-06. Review status: criteria provided, single submitter. Criteria: ACMG Guidelines, 2015. Collection method: curation. Allele origin: germline. Inheritance: Autosomal dominant inheritance. Affected: yes. Observed: 6 variant alleles. Clinical features observed: Myelodysplasia, Acute Myeloid Leukemia, Immunodeficiency, Lymphedema.
Comment: PS4, PM1, PM2, PP3

Literature cited by the submitters: PubMed 23223431 (cited by Labcorp Genetics (formerly Invitae), Labcorp and Molecular Pathology Research Laboratory, SA Pathology); PubMed 24345756 (cited by Labcorp Genetics (formerly Invitae), Labcorp and Molecular Pathology Research Laboratory, SA Pathology); PubMed 25359990 (cited by Labcorp Genetics (formerly Invitae), Labcorp); PubMed 26710799 (cited by Labcorp Genetics (formerly Invitae), Labcorp and Molecular Pathology Research Laboratory, SA Pathology); PubMed 29724903 (cited by Labcorp Genetics (formerly Invitae), Labcorp and Molecular Pathology Research Laboratory, SA Pathology); PubMed 31309983 (cited by Labcorp Genetics (formerly Invitae), Labcorp); PubMed 34051752 (cited by Labcorp Genetics (formerly Invitae), Labcorp); PubMed 38730328 (cited by Labcorp Genetics (formerly Invitae), Labcorp); PubMed 30578959 (cited by Molecular Pathology Research Laboratory, SA Pathology).